The following is an entry in ClinVar:

NM_004380.3(CREBBP):c.759C>T (p.His253=)

Gene: CREBBP (CREB binding lysine acetyltransferase; minus strand). Cytogenetic location: 16p13.3.
Variant type: single nucleotide variant.
Coding change: c.759C>T on transcript NM_004380.3 (MANE Select); coding-DNA position 759, C replaced by T.
Protein change: p.His253=; no amino-acid change (histidine 253 retained).
Molecular consequence: synonymous variant.
Genome position (GRCh38, 1-based): chr16:3,850,336, G>A on the plus strand (C>T on the coding strand, the complement: CREBBP is on the minus strand). VCF-style: chr16-3850336-G-A. GRCh37 (hg19) VCF-style: chr16-3900337-G-A.
Other names: c.759C>T (NM_004380.2); c.759C>T, p.His253= (NM_001079846.1).
Identifiers: ClinVar variation 1586458 (VCV001586458.11), dbSNP rs548980748, ClinGen allele CA7870616.
Genomic context (GRCh38, chr16:3,850,336, plus strand): 5'-AAAGTGCTTCAGTTCACTTACCTTGGCCATGCCTCCTGCCTGTGCGGTGTTCAGTCCCGC[G>A]TGACCAGTCATTTGCGGGGAAACCTGCGTTAGGGTCTCAGCCAGCACGCTGCTCGAGGCG-3'
Protein context (NP_004371.2, residues 243-263): LTQVSPQMTG[His253=]AGLNTAQAGG

ClinVar aggregate classification (germline): Likely benign. Review status: criteria provided, multiple submitters, no conflicts (2 of 4 stars). 3 submissions from 3 submitters: Likely benign (2). 1 of the submissions does not count toward it. Last evaluated 2024-02-23.

Conditions:
CREBBP-related disorder. Also called: CREBBP-related disorders; CREBBP-related condition.
Rubinstein-Taybi syndrome (RSTS). Identifiers: Orphanet 783, MedGen C0035934, MONDO:0019188.

Allele frequency attached by ClinVar (database versions not stated): TOPMed below 0.00001; ExAC 0.00002; gnomAD exomes 0.00002 and 0.00003.
gnomAD v4.1: 49 of 1,614,200 alleles (0.003%); highest among the groups gnomAD compares: Non-Finnish European, 0.004%; no homozygotes.

Submissions (3):

Labcorp Genetics (formerly Invitae), Labcorp
Classification: Likely benign for Rubinstein-Taybi syndrome. Last evaluated: 2024-02-23. Review status: criteria provided, single submitter. Criteria: Invitae Variant Classification Sherloc (09022015). Collection method: clinical testing. Allele origin: germline.

Blueprint Genetics
Classification: Likely benign. Last evaluated: 2021-04-28. Review status: criteria provided, single submitter. Criteria: ACMG Guidelines, 2015. Collection method: clinical testing. Allele origin: germline.

PreventionGenetics, part of Exact Sciences
Classification: Likely benign for CREBBP-related condition. Last evaluated: 2021-09-14. Review status: no assertion criteria provided. Collection method: clinical testing. Allele origin: germline. Not counted in ClinVar's aggregate classification.
Comment: This variant is classified as likely benign based on ACMG/AMP sequence variant interpretation guidelines (Richards et al. 2015 PMID: 25741868, with internal and published modifications).